The following is an entry in ClinVar:

ClinVar aggregate classification (germline): Conflicting classifications of pathogenicity. Review status: criteria provided, conflicting classifications (1 of 4 stars). 4 submissions from 4 submitters: Uncertain significance (3); Likely benign (1). Last evaluated 2026-08-07.

Conditions:
Familial melanoma. Also called: Hereditary melanoma; Hereditary cutaneous melanoma. Identifiers: Orphanet 618, MedGen C1512419, MONDO:0018961.
Hereditary cancer-predisposing syndrome. Also called: Neoplastic Syndromes, Hereditary; Hereditary neoplastic syndrome; Hereditary Cancer Syndrome; Tumor predisposition. Identifiers: Orphanet 140162, MedGen C0027672, MeSH D009386, MONDO:0015356.

Allele frequency attached by ClinVar (database versions not stated): TOPMed below 0.00001.

Submissions (4):

Ambry Genetics
Classification: Likely benign for Hereditary cancer-predisposing syndrome. Last evaluated: 2026-08-07. Review status: criteria provided, single submitter. Criteria: Ambry Variant Classification Scheme 2023. Collection method: clinical testing. Allele origin: germline.

Labcorp Genetics (formerly Invitae), Labcorp
Classification: Uncertain significance for Familial melanoma. Last evaluated: 2025-11-10. Review status: criteria provided, single submitter. Criteria: Invitae Variant Classification Sherloc (09022015). Collection method: clinical testing. Allele origin: germline.
Comment: This sequence change replaces methionine, which is neutral and non-polar, with valine, which is neutral and non-polar, at codon 9 of the CDKN2A (p16INK4a) protein (p.Met9Val). This variant is not present in population databases (gnomAD no frequency). This variant has not been reported in the literature in individuals affected with CDKN2A (p16INK4a)-related conditions. ClinVar contains an entry for this variant (Variation ID: 483345). An algorithm developed to predict the effect of missense changes on protein structure and function (PolyPhen-2) suggests that this variant is likely to be tolerated. In summary, the available evidence is currently insufficient to determine the role of this variant in disease. Therefore, it has been classified as a Variant of Uncertain Significance.

Sema4
Classification: Uncertain significance for Hereditary cancer-predisposing syndrome. Last evaluated: 2021-12-29. Review status: criteria provided, single submitter. Criteria: Sema4 Curation Guidelines. Collection method: curation. Allele origin: germline.
Comment: The CDKN2A c.25A>G (p.M9V) variant has not been reported in the literature to our knowledge. This variant is not reported in the population database Genome Aggregation Database (PMID: 32461654). This variant has been reported in ClinVar (Variation ID 483345). Functional studies have not been performed, and in silico predictions of the variant's effect on protein function are inconclusive. The evidence is insufficient to meet ACMG/AMP criteria for classifying the variant as benign or pathogenic. Thus, the clinical significance of this variant is currently uncertain.

Color Diagnostics, LLC DBA Color Health
Classification: Uncertain significance for Hereditary cancer-predisposing syndrome. Last evaluated: 2018-10-18. Review status: criteria provided, single submitter. Criteria: ACMG Guidelines, 2015. Collection method: clinical testing. Allele origin: germline.

NM_000077.5(CDKN2A):c.25A>G (p.Met9Val)

Gene: CDKN2A (cyclin dependent kinase inhibitor 2A; minus strand). Cytogenetic location: 9p21.3.
Variant type: single nucleotide variant.
Coding change: c.25A>G on transcript NM_000077.5; coding-DNA position 25, A replaced by G.
Protein change: p.Met9Val; replaces methionine 9 with valine.
Molecular consequence: missense variant (on NM_000077.6). On other transcripts: intron variant (2).
Genome position (GRCh38, 1-based): chr9:21,974,803, T>C on the plus strand (A>G on the coding strand, the complement: CDKN2A is on the minus strand). VCF-style: chr9-21974803-T-C. GRCh37 (hg19) VCF-style: chr9-21974802-T-C.
Other names: c.25A>G, p.Met9Val (NM_000077.6, NM_001195132.2, NM_058197.5); c.-3-3595A>G (NM_001363763.2); c.194-3595A>G (NM_058195.4); short protein forms M9V.
Identifiers: ClinVar variation 483345 (VCV000483345.17), dbSNP rs748866274, ClinGen allele CA373086697.
Genomic context (GRCh38, chr9:21,974,803, plus strand): 5'-GCACCTCCTCTACCCGACCCCGGGCCGCGGCCGTGGCCAGCCAGTCAGCCGAAGGCTCCA[T>C]GCTGCTCCCCGCCGCCGGCTCCATGCTGCTCCCCGCCGCCCGCTGCCTGCTCTCCCCCTC-3'
Protein context (NP_000068.1, residues 1-19): MEPAAGSS[Met9Val]EPSADWLATA